The following is an entry in ClinVar:

ClinVar aggregate classification (germline): Uncertain significance. Review status: criteria provided, multiple submitters, no conflicts (2 of 4 stars). 2 submissions from 2 submitters: Uncertain significance (2). Last evaluated 2021-04-10.

Conditions:
Charcot-Marie-Tooth disease type 4F. Also called: Charcot-Marie-Tooth disease, demyelinating, type 4F. Identifiers: Orphanet 99952, MedGen C3540453, MONDO:0013959, OMIM 614895.
Charcot-Marie-Tooth disease type 4. Also called: Charcot-Marie-Tooth, Type 4; Charcot-Marie-Tooth disease, type IV. Identifiers: Orphanet 64749, MedGen C4082197, MONDO:0018995.

Allele frequency attached by ClinVar (database versions not stated): gnomAD 0.00001 and below 0.00001; TOPMed 0.00001; gnomAD exomes 0.00002; ExAC 0.00003.
gnomAD v4.1: 13 of 1,601,004 alleles (0.00081%); highest among the groups gnomAD compares: South Asian, 0.0034%; no homozygotes.

Submissions (2):

Labcorp Genetics (formerly Invitae), Labcorp
Classification: Uncertain significance for Charcot-Marie-Tooth disease type 4. Last evaluated: 2021-04-10. Review status: criteria provided, single submitter. Criteria: Invitae Variant Classification Sherloc (09022015). Collection method: clinical testing. Allele origin: germline.
Comment: In summary, the available evidence is currently insufficient to determine the role of this variant in disease. Therefore, it has been classified as a Variant of Uncertain Significance. Algorithms developed to predict the effect of missense changes on protein structure and function are either unavailable or do not agree on the potential impact of this missense change (SIFT: "Tolerated"; PolyPhen-2: "Possibly Damaging"; Align-GVGD: "Class C0"). This variant has not been reported in the literature in individuals with PRX-related conditions. ClinVar contains an entry for this variant (Variation ID: 329251). This variant is present in population databases (rs773955274, ExAC 0.008%). This sequence change replaces glutamic acid with lysine at codon 1290 of the PRX protein (p.Glu1290Lys). The glutamic acid residue is highly conserved and there is a small physicochemical difference between glutamic acid and lysine.

Illumina Laboratory Services, Illumina
Classification: Uncertain significance for Charcot-Marie-Tooth disease type 4F. Last evaluated: 2018-01-13. Review status: criteria provided, single submitter. Criteria: ICSL Variant Classification Criteria 13 December 2019. Collection method: clinical testing. Allele origin: germline.

NM_181882.3(PRX):c.3868G>A (p.Glu1290Lys)

Gene: PRX (periaxin; minus strand). Cytogenetic location: 19q13.2.
Variant type: single nucleotide variant.
Coding change: c.3868G>A on transcript NM_181882.3 (MANE Select); coding-DNA position 3868, G replaced by A.
Protein change: p.Glu1290Lys; replaces glutamic acid 1290 with lysine.
Molecular consequence: missense variant. On other transcripts: 3 prime UTR variant (1).
Genome position (GRCh38, 1-based): chr19:40,394,484, C>T on the plus strand (G>A on the coding strand, the complement: PRX is on the minus strand). VCF-style: chr19-40394484-C-T. GRCh37 (hg19) VCF-style: chr19-40900391-C-T.
Other names: c.*4073G>A (NM_020956.2); short protein forms E1290K.
Identifiers: ClinVar variation 329251 (VCV000329251.10), dbSNP rs773955274, ClinGen allele CA9443759.